The following is an entry in ClinVar:

NM_000173.7(GP1BA):c.344T>C (p.Leu115Pro)

Gene: GP1BA (glycoprotein Ib platelet subunit alpha; plus strand). Cytogenetic location: 17p13.2.
Variant type: single nucleotide variant.
Coding change: c.344T>C on transcript NM_000173.7 (MANE Select); coding-DNA position 344, T replaced by C.
Protein change: p.Leu115Pro; replaces leucine 115 with proline.
Molecular consequence: missense variant.
Genome position (GRCh38, 1-based): chr17:4,932,948, T>C. VCF-style: chr17-4932948-T-C. GRCh37 (hg19) VCF-style: chr17-4836243-T-C.
Other names: short protein forms L115P.
Identifiers: ClinVar variation 626958 (VCV000626958.8), dbSNP rs1597638598, ClinGen allele CA397316035.

ClinVar aggregate classification (germline): Pathogenic/Likely pathogenic. Review status: criteria provided, multiple submitters, no conflicts (2 of 4 stars). 4 submissions from 4 submitters: Pathogenic (1); Likely pathogenic (3). Last evaluated 2024-10-09.

Conditions:
Bernard-Soulier syndrome, type A2, autosomal dominant (BSSA2). Also called: Bernard-Soulier syndrome, type A2 (dominant). Identifiers: Orphanet 274, MedGen C3277076, MONDO:0007930, OMIM 153670.
Thrombocytopenia. Identifiers: MedGen C0040034, MeSH D013921, MONDO:0002049, HP:0001873.
GP1BA-related disorders.

Submissions (4):

Victorian Clinical Genetics Services, Murdoch Childrens Research Institute
Classification: Likely pathogenic for Bernard-Soulier syndrome, type A2, autosomal dominant. Last evaluated: 2024-10-09. Review status: criteria provided, single submitter. Criteria: ACMG Guidelines, 2015. Collection method: clinical testing. Allele origin: germline. Inheritance: Autosomal dominant inheritance. Affected: yes.
Comment: Based on the classification scheme VCGS_Germline_v1.3.4, this variant is classified as Likely pathogenic. Following criteria are met: 0103 - Gain of function and loss of function are known mechanisms of disease in this gene. The former is associated with autosomal dominant von Willebrand disease, platelet-type (MIM#177820), whereas the latter is associated with autosomal recessive Bernard-Soulier syndrome, type A1 (MIM#231200) and autosomal dominant Bernard-Soulier syndrome, type A2 (MIM#153670) (ClinGen). In addition, dominant negative is a suggested mechanism for autosomal dominant Bernard-Soulier syndrome, type A2 (MIM#153670) (PMID: 24934643). (I) 0108 - This gene is associated with both recessive and dominant disease. Autosomal dominant Bernard-Soulier syndrome, type A2 (MIM#153670) is rare and milder than autosomal recessive Bernard-Soulier syndrome, type A1 (MIM#231200). In addition, majority of the variants implicated in von Willebrand disease, platelet-type (MIM#177820) are located within the beta-hairpin loop (PMIDs: 24934643, 37592722). (I) 0200 - Variant is predicted to result in a missense amino acid change from leucine to proline. (I) 0251 - This variant is heterozygous. (I) 0301 - Variant is absent from gnomAD (both v2 and v3). (SP) 0502 - Missense variant with conflicting in silico predictions and uninformative conservation. (I) 0600 - Variant is located in the annotated leucine-rich repeat (LRR) protein domain (NCBI). (I) 0705 - No comparable missense variants have previous evidence for pathogenicity. (I) 0803 - This variant has limited previous evidence of pathogenicity in an unrelated individual. This variant has been reported as heterozygous in an individual with familial thrombocytopenia (PMID: 31064749). It has also been reported as pathogenic by a clinical testing laboratory in ClinVar, however it is likely referring to the same family reported in PMID: 31064749. In addition, this variant is known to be present in up to three families with affected individuals (personal communication, PMCC BMF variant review meeting). (SP) 0902 - This variant has moderate evidence for segregation with disease. Segregation analysis performed in one family showed the variant is absent in two unaffected siblings, and present in two affected siblings and one affected cousin (ClinVar, PMID: 31064749). (SP) 1007 - No published functional evidence has been identified for this variant. (I) 1208 - Inheritance information for this variant is not currently available in this individual. (I) Legend: (SP) - Supporting pathogenic, (I) - Information, (SB) - Supporting benign

Blueprint Genetics
Classification: Likely pathogenic for GP1BA-related disorders. Last evaluated: 2022-09-28. Review status: criteria provided, single submitter. Criteria: ACMG Guidelines, 2015. Collection method: clinical testing. Allele origin: germline. Affected: yes. Observed: 5 variant alleles.

NIHR Bioresource Rare Diseases, University of Cambridge
Classification: Likely pathogenic for Thrombocytopenia. Last evaluated: 2021-02-01. Review status: criteria provided, single submitter. Criteria: ACMG Guidelines, 2015. Collection method: research. Allele origin: unknown. Inheritance: Autosomal dominant inheritance. Affected: yes. Observed: 1 heterozygote.
Comment: Co-segregation analysis has now been performed which allows us to reclassify the variant as likely pathogenic. Using the algorithm suggested by Jarvik and Browning (Am Jour Hum Gen 98, 1077-1081, June 2, 2016) we have calculated that probability of this variant co-segregating with disease and not being pathogenic as 0.016, and so have increased the strength of this evidence (PP1) to strong. This, along with PM2 and PP3, means that we can now classify this variant as "likely pathogenic".

ISTH-SSC Genomics in Thrombosis and Hemostasis, KU Leuven, Center for Molecular and Vascular Biology
Classification: Pathogenic for Bernard-Soulier syndrome, type A2, autosomal dominant. Review status: criteria provided, single submitter. Criteria: ACMG Guidelines, 2015. Collection method: clinical testing. Allele origin: germline. Affected: yes. Observed: 1 heterozygote.
Comment: Submitted to GoldVariant by Bilal Jradeh, Katharine Dormandy Haemophilia and Thrombosis Centre, RFH, UK

Literature cited by the submitters: PubMed 24934643 (cited by Victorian Clinical Genetics Services, Murdoch Childrens Research Institute); PubMed 31064749 (cited by Victorian Clinical Genetics Services, Murdoch Childrens Research Institute and NIHR Bioresource Rare Diseases, University of Cambridge); PubMed 37592722 (cited by Victorian Clinical Genetics Services, Murdoch Childrens Research Institute).